The following is an entry in ClinVar:

ClinVar aggregate classification (germline): Pathogenic. Review status: criteria provided, multiple submitters, no conflicts (2 of 4 stars). 2 submissions from 2 submitters: Pathogenic (2). Last evaluated 2025-01-13.

Conditions:
HNRNPD-related neurodevelopmental disorder.

Allele frequency attached by ClinVar (database versions not stated): gnomAD exomes below 0.00001; gnomAD 0.00001.

Submissions (2):

Rady Children's Institute for Genomic Medicine, Rady Children's Hospital San Diego
Classification: Pathogenic for HNRNPD-related neurodevelopmental disorder. Last evaluated: 2025-01-13. Review status: criteria provided, single submitter. Criteria: ACMG Guidelines, 2015. Collection method: clinical testing. Allele origin: germline. Affected: yes.
Comment: This frameshifting variant in exon 1 of 9 is predicted to result in loss of normal protein function through either protein truncation or nonsense-mediated mRNA decay. The HNRNPD gene is constrained against variation (pLI = 1), and loss-of-function variants are an established mechanism of disease (PMID: 33874999). This variant has been previously reported as a de novo change in individuals with features consistent with HNRNPD-related neurodevelopmental disorder (PMID: 33874999). The c.104_105del (p.Gln35ArgfsTer34) variant is present in the latest version of the gnomAD population database at an allele frequency of 0.0001% (2/1539128) and thus is presumed to be rare. Based on parental analysis, this variant likely occurred as a de novo event. Based on the available evidence, c.104_105del (p.Gln35ArgfsTer34) is classified as Pathogenic.

CeGaT Center for Human Genetics Tuebingen
Classification: Pathogenic. Last evaluated: 2024-01-01. Review status: criteria provided, single submitter. Criteria: CeGaT Center For Human Genetics Tuebingen Variant Classification Criteria Version 2. Collection method: clinical testing. Allele origin: germline. Affected: yes. Observed: 1 variant allele.
Comment: HNRNPD: PVS1, PS2, PS4:Moderate

Literature cited by the submitters: PubMed 33874999 (cited by Rady Children's Institute for Genomic Medicine, Rady Children's Hospital San Diego).

NM_031370.3(HNRNPD):c.104_105del (p.Gln35fs)

Genes: HNRNPD (heterogeneous nuclear ribonucleoprotein D; minus strand), LOC129992757 (ATAC-STARR-seq lymphoblastoid silent region 15528; plus strand). Cytogenetic location: 4q21.22.
Variant type: Deletion.
Coding change: c.104_105del on transcript NM_031370.3 (MANE Select); coding-DNA positions 104 to 105, 2 bases deleted (AG; older notation c.104_105delAG).
Protein change: p.Gln35fs; shifts the reading frame from glutamine 35.
Molecular consequence: frameshift variant.
Genome position (GRCh38, 1-based): chr4:82,373,574-82,373,575, CT deleted on the plus strand (AG on the coding strand, the reverse complement: HNRNPD is on the minus strand). VCF-style (leftmost placement, unchanged base first): chr4-82373573-CCT-C. GRCh37 (hg19) VCF-style: chr4-83294726-CCT-C.
Other names: c.104_105del, p.Gln35fs (NM_001003810.2, NM_002138.4, NM_031369.3); c.104_105del (NM_031370.2); short protein forms Q35fs.
Identifiers: ClinVar variation 3026803 (VCV003026803.23), dbSNP rs2529923390, ClinGen allele CA2601061715.